The following is an entry in ClinVar:

NM_001164508.2(NEB):c.10706A>G (p.Lys3569Arg)

Gene: NEB (nebulin; minus strand). Cytogenetic location: 2q23.3.
Variant type: single nucleotide variant.
Coding change: c.10706A>G on transcript NM_001164508.2 (MANE Select); coding-DNA position 10706, A replaced by G.
Protein change: p.Lys3569Arg; replaces lysine 3569 with arginine.
Molecular consequence: missense variant.
Genome position (GRCh38, 1-based): chr2:151,619,617, T>C on the plus strand (A>G on the coding strand, the complement: NEB is on the minus strand). VCF-style: chr2-151619617-T-C. GRCh37 (hg19) VCF-style: chr2-152476131-T-C.
Other names: c.10706A>G, p.Lys3569Arg (NM_001164507.2, NM_001271208.2); c.9977A>G, p.Lys3326Arg (NM_004543.5); short protein forms K3569R, K3326R.
Identifiers: ClinVar variation 646351 (VCV000646351.10), dbSNP rs371572709, ClinGen allele CA57641638.

ClinVar aggregate classification (germline): Uncertain significance. Review status: criteria provided, single submitter (1 of 4 stars). 2 submissions from 2 submitters: Uncertain significance (1). 1 of the submissions does not count toward it. Last evaluated 2021-09-01.

Conditions:
Nemaline myopathy 2 (NEM2). Also called: Nemaline myopathy 2, autosomal recessive. Identifiers: MedGen C1850569, MONDO:0009725, OMIM 256030.

Allele frequency attached by ClinVar (database versions not stated): gnomAD exomes below 0.00001; TOPMed 0.00001; ESP Exome Variant Server 0.00016.
gnomAD v4.1: 4 of 1,613,978 alleles (0.00025%); highest among the groups gnomAD compares: Middle Eastern, 0.016%; no homozygotes.

Submissions (2):

Labcorp Genetics (formerly Invitae), Labcorp
Classification: Uncertain significance for Nemaline myopathy 2. Last evaluated: 2021-09-01. Review status: criteria provided, single submitter. Criteria: Invitae Variant Classification Sherloc (09022015). Collection method: clinical testing. Allele origin: germline.
Comment: This sequence change replaces lysine with arginine at codon 3569 of the NEB protein (p.Lys3569Arg). The lysine residue is moderately conserved and there is a small physicochemical difference between lysine and arginine. This variant is not present in population databases (ExAC no frequency). This variant has not been reported in the literature in individuals affected with NEB-related conditions. Algorithms developed to predict the effect of missense changes on protein structure and function are either unavailable or do not agree on the potential impact of this missense change (SIFT: "Deleterious"; PolyPhen-2: "Not Available"; Align-GVGD: "Class C0"). In summary, the available evidence is currently insufficient to determine the role of this variant in disease. Therefore, it has been classified as a Variant of Uncertain Significance.

Natera, Inc.
Classification: Uncertain significance for Nemaline myopathy type 2. Last evaluated: 2021-03-23. Review status: no assertion criteria provided. Collection method: clinical testing. Allele origin: germline. Not counted in ClinVar's aggregate classification.